The following is an entry in ClinVar:

ClinVar aggregate classification (germline): Pathogenic/Likely pathogenic. Review status: criteria provided, multiple submitters, no conflicts (2 of 4 stars). 3 submissions from 3 submitters: Pathogenic (1); Likely pathogenic (2). Last evaluated 2023-06-30.

Conditions:
Familial hyperthyroidism due to mutations in TSH receptor. Also called: HYPERTHYROIDISM, CONGENITAL NONAUTOIMMUNE; HYPERTHYROIDISM, NONAUTOIMMUNE, AUTOSOMAL DOMINANT; TOXIC THYROID HYPERPLASIA, AUTOSOMAL DOMINANT. Identifiers: Orphanet 424, MedGen C1836706, MONDO:0012203, OMIM 609152.
Familial gestational hyperthyroidism. Identifiers: Orphanet 99819, MedGen C1863959, MONDO:0011309, OMIM 603373.
Hypothyroidism due to TSH receptor mutations. Also called: Hypothyroidism, congenital, nongoitrous, 1; THYROID-STIMULATING HORMONE, RESISTANCE TO; TSH RESISTANCE; HYPOTHYROIDISM DUE TO UNRESPONSIVENESS TO THYROTROPIN; HYPOTHYROIDISM, CONGENITAL, DUE TO TSH RESISTANCE; HYPOTHYROIDISM, NONAUTOIMMUNE. Identifiers: Orphanet 90673, MedGen C3493776, MONDO:0010142, OMIM 275200.

Submissions (3):

Labcorp Genetics (formerly Invitae), Labcorp
Classification: Pathogenic. Last evaluated: 2023-06-30. Review status: criteria provided, single submitter. Criteria: Invitae Variant Classification Sherloc (09022015). Collection method: clinical testing. Allele origin: germline.
Comment: This sequence change creates a premature translational stop signal (p.Met140Cysfs*5) in the TSHR gene. It is expected to result in an absent or disrupted protein product. Loss-of-function variants in TSHR are known to be pathogenic (PMID: 8954020). This variant is not present in population databases (gnomAD no frequency). For these reasons, this variant has been classified as Pathogenic. Algorithms developed to predict the effect of sequence changes on RNA splicing suggest that this variant may disrupt the consensus splice site. ClinVar contains an entry for this variant (Variation ID: 426336). This variant has not been reported in the literature in individuals affected with TSHR-related conditions.

Fulgent Genetics
Classification: Likely pathogenic for Hypothyroidism due to TSH receptor mutations; Familial gestational hyperthyroidism; Familial hyperthyroidism due to mutations in TSH receptor. Last evaluated: 2021-10-25. Review status: criteria provided, single submitter. Criteria: ACMG Guidelines, 2015. Collection method: clinical testing. Allele origin: unknown.

GeneDx
Classification: Likely pathogenic. Last evaluated: 2017-04-20. Review status: criteria provided, single submitter. Criteria: GeneDx Variant Classification (06012015). Collection method: clinical testing. Allele origin: germline. Affected: yes.
Comment: The c.418delA variant in the TSHR gene has not been reported previously as a pathogenic variant nor as a benign variant, to our knowledge. The c.418delA variant causes a frameshift starting with codon Methionine 140, changes this amino acid to a Cysteine residue, and creates a premature Stop codon at position 5 of the new reading frame, denoted p.Met140CysfsX5. This variant is predicted to cause loss of normal protein function either through protein truncation or nonsense-mediated mRNA decay. The c.418delA variant is not observed in large population cohorts (Lek et al., 2016; 1000 Genomes Consortium et al., 2015; Exome Variant Server). We interpret c.418delA as a likely pathogenic variant.

Literature cited by the submitters: PubMed 8954020 (cited by Labcorp Genetics (formerly Invitae), Labcorp).

NM_000369.5(TSHR):c.418del (p.Met140fs)

Genes: TSHR-AS1 (TSHR antisense RNA 1; minus strand), TSHR (thyroid stimulating hormone receptor; plus strand). Cytogenetic location: 14q31.1.
Variant type: Deletion.
Coding change: c.418del on transcript NM_000369.5 (MANE Select); coding-DNA position 418, one base deleted (A; older notation c.418delA).
Protein change: p.Met140fs; shifts the reading frame from methionine 140.
Molecular consequence: frameshift variant.
Genome position (GRCh38, 1-based): chr14:81,091,094, A deleted; the last of 4 consecutive A bases (chr14:81,091,091-81,091,094); deleting any one gives the same sequence. VCF-style (leftmost placement, unchanged base first): chr14-81091090-TA-T. GRCh37 (hg19) VCF-style: chr14-81557434-TA-T.
Other names: c.418delA (NM_000369.2); c.418del, p.Met140fs (NM_001018036.3, NM_001142626.3); short protein forms M140fs.
Identifiers: ClinVar variation 426336 (VCV000426336.6), dbSNP rs1085307573, ClinGen allele CA645293888.